The following is an entry in ClinVar:

NM_000548.5(TSC2):c.3825C>G (p.Phe1275Leu)

Gene: TSC2 (TSC complex subunit 2; plus strand). Cytogenetic location: 16p13.3.
Variant type: single nucleotide variant.
Coding change: c.3825C>G on transcript NM_000548.5 (MANE Select); coding-DNA position 3825, C replaced by G.
Protein change: p.Phe1275Leu; replaces phenylalanine 1275 with leucine.
Molecular consequence: missense variant. On other transcripts: non-coding transcript variant (1), intron variant (33).
Genome position (GRCh38, 1-based): chr16:2,082,446, C>G. VCF-style: chr16-2082446-C-G. GRCh37 (hg19) VCF-style: chr16-2132447-C-G.
Other names: c.3093C>G, p.Phe1031Leu (NM_001318831.2); c.3693C>G, p.Phe1231Leu (NM_001370404.1, NM_001406665.1); c.3696C>G, p.Phe1232Leu (NM_001370405.1, NM_021055.3); c.3822C>G, p.Phe1274Leu (NM_001406663.1); c.3225C>G, p.Phe1075Leu (NM_001406680.1); c.2352C>G, p.Phe784Leu (NM_001406690.1); c.2349C>G, p.Phe783Leu (NM_001406691.1); c.2341+648C>G (NM_001406693.1, NM_001406692.1, NM_001406694.1); and 25 more; short protein forms F1031L, F1075L, F1231L, F1232L, F1274L, F1275L, F783L, F784L.
Identifiers: ClinVar variation 2571769 (VCV002571769.1), dbSNP rs761713908, ClinGen allele CA394294837.

ClinVar aggregate classification (germline): Uncertain significance (1 of 4 stars; one submission).

gnomAD v4.1: 2 of 1,612,502 alleles (0.00012%); highest among the groups gnomAD compares: Non-Finnish European, 0.00017%; no homozygotes.

Submission:

GeneDx
Classification: Uncertain significance. Last evaluated: 2023-01-10. Review status: criteria provided, single submitter. Criteria: GeneDx Variant Classification Process June 2021. Collection method: clinical testing. Allele origin: germline. Affected: yes.
Comment: Not observed at significant frequency in large population cohorts (gnomAD); In silico analysis supports that this missense variant does not alter protein structure/function; Has not been previously published as pathogenic or benign to our knowledge